The following is an entry in ClinVar:

ClinVar aggregate classification (germline): Benign (1 of 4 stars; one submission).

gnomAD v4.1: 1,120,574 of 1,320,958 alleles (85%); highest among the groups gnomAD compares: Non-Finnish European, 86%; 477,202 homozygotes.

Submission:

Unidad de Genómica Garrahan, Hospital de Pediatría Garrahan
Classification: Benign. Last evaluated: 2024-07-31. Review status: criteria provided, single submitter. Criteria: ACMG Guidelines, 2015. Collection method: clinical testing. Allele origin: germline. Affected: no. Observed: 63 variant alleles.
Comment: This variant is classified as Benign based on local population frequency. This variant was detected in 68% of patients studied in a panel designed for Epileptic and Developmental Encephalopathy, Progressive Myoclonus Epilepsy and Abnormal Movements and Neurodegeneration with brain iron accumulation. Number of patients: 63. Only high quality variants are reported.

NM_001365536.1(SCN9A):c.3802-70C>T

Genes: SCN1A-AS1 (SCN1A and SCN9A antisense RNA 1; plus strand), SCN9A (sodium voltage-gated channel alpha subunit 9; minus strand). Cytogenetic location: 2q24.3.
Variant type: single nucleotide variant.
Coding change: c.3802-70C>T on transcript NM_001365536.1 (MANE Select); 70 bases into the intron before coding-DNA position 3802, C replaced by T.
Molecular consequence: intron variant.
Genome position (GRCh38, 1-based): chr2:166,233,532, G>A on the plus strand (C>T on the coding strand, the complement: SCN9A is on the minus strand). VCF-style: chr2-166233532-G-A. GRCh37 (hg19) VCF-style: chr2-167090042-G-A.
Other names: c.3769-70C>T (NM_002977.4).
Identifiers: ClinVar variation 3256797 (VCV003256797.2).